The following is an entry in ClinVar:

ClinVar aggregate classification (germline): Benign (0 of 4 stars; one submission).

Conditions:
ACTN3-related disorder. Also called: ACTN3-related condition.

Allele frequency attached by ClinVar (database versions not stated): gnomAD exomes 0.00087; ExAC 0.00191; 1000 Genomes Project 0.00998; 1000 Genomes Project 30x 0.01046; gnomAD 0.00883; TOPMed 0.01107.
gnomAD v4.1: 2,608 of 1,535,636 alleles (0.17%); highest among the groups gnomAD compares: African/African-American, 3.1%; 41 homozygotes.

Submission:

PreventionGenetics, part of Exact Sciences
Classification: Benign for ACTN3-related condition. Last evaluated: 2019-03-26. Review status: no assertion criteria provided. Collection method: clinical testing. Allele origin: germline.
Comment: This variant is classified as benign based on ACMG/AMP sequence variant interpretation guidelines (Richards et al. 2015 PMID: 25741868, with internal and published modifications).

NM_001258371.3(ACTN3):c.243C>G (p.Pro81=)

Gene: ACTN3 (actinin alpha 3; plus strand). Cytogenetic location: 11q13.2.
Variant type: single nucleotide variant.
Coding change: c.243C>G on transcript NM_001258371.3; coding-DNA position 243, C replaced by G.
Protein change: p.Pro81=; no amino-acid change (proline 81 retained).
Molecular consequence: synonymous variant.
Genome position (GRCh38, 1-based): chr11:66,546,753, C>G. VCF-style: chr11-66546753-C-G. GRCh37 (hg19) VCF-style: chr11-66314224-C-G.
Identifiers: ClinVar variation 3050805 (VCV003050805.2), dbSNP rs150880895, ClinGen allele CA6124133.